The following is an entry in ClinVar:

ClinVar aggregate classification (germline): Pathogenic (1 of 4 stars; one submission).

Conditions:
Marfan syndrome (MFS). Also called: MARFAN SYNDROME, TYPE I; FBN1-Related Marfan Syndrome; Marfan syndrome type 1; Marfan's syndrome; Marfan syndrome, classic. Identifiers: Orphanet 284963, Orphanet 558, MedGen C0024796, MONDO:0007947, OMIM 154700.
Familial thoracic aortic aneurysm and aortic dissection (TAAD). Also called: Thoracic aortic aneurysms and dissections. Identifiers: Orphanet 91387, MedGen C4707243, MONDO:0019625.

Submission:

Labcorp Genetics (formerly Invitae), Labcorp
Classification: Pathogenic for Marfan syndrome; Familial thoracic aortic aneurysm and aortic dissection. Last evaluated: 2025-03-31. Review status: criteria provided, single submitter. Criteria: Invitae Variant Classification Sherloc (09022015). Collection method: clinical testing. Allele origin: germline.
Comment: This sequence change affects a donor splice site in intron 54 of the FBN1 gene. It is expected to disrupt RNA splicing. Variants that disrupt the donor or acceptor splice site typically lead to a loss of protein function (PMID: 16199547), and loss-of-function variants in FBN1 are known to be pathogenic (PMID: 17657824, 19293843). This variant is not present in population databases (gnomAD no frequency). Disruption of this splice site has been observed in individual(s) with Marfan syndrome (PMID: 19293843, 25907466). In at least one individual the variant was observed to be de novo. ClinVar contains an entry for this variant (Variation ID: 457247). Algorithms developed to predict the effect of sequence changes on RNA splicing suggest that this variant may disrupt the consensus splice site. For these reasons, this variant has been classified as Pathogenic.

Literature cited by the submitters: PubMed 16199547; PubMed 17657824; PubMed 19293843; PubMed 25907466.

NM_000138.5(FBN1):c.6616+1G>C

Gene: FBN1 (fibrillin 1; minus strand). Cytogenetic location: 15q21.1.
Variant type: single nucleotide variant.
Coding change: c.6616+1G>C on transcript NM_000138.5 (MANE Select); the canonical splice donor site of the intron after coding-DNA position 6616, G replaced by C.
Molecular consequence: splice donor variant.
Genome position (GRCh38, 1-based): chr15:48,434,593, C>G on the plus strand (G>C on the coding strand, the complement: FBN1 is on the minus strand). VCF-style: chr15-48434593-C-G. GRCh37 (hg19) VCF-style: chr15-48726790-C-G.
Other names: c.6616+1G>C (NM_001406716.1).
Identifiers: ClinVar variation 457247 (VCV000457247.7), dbSNP rs1064793980, ClinGen allele CA392334565.